The following is an entry in ClinVar:

ClinVar aggregate classification (germline): Uncertain significance (1 of 4 stars; one submission).

Submission:

GeneDx
Classification: Uncertain significance. Last evaluated: 2025-03-20. Review status: criteria provided, single submitter. Criteria: GeneDx Variant Classification Process June 2021. Collection method: clinical testing. Allele origin: germline. Affected: yes.
Comment: Not observed at significant frequency in large population cohorts (gnomAD); In silico analysis indicates that this missense variant does not alter protein structure/function; Has not been previously published as pathogenic or benign to our knowledge

NM_032590.5(KDM2B):c.3997C>G (p.Gln1333Glu)

Gene: KDM2B (lysine demethylase 2B; minus strand). Cytogenetic location: 12q24.31.
Variant type: single nucleotide variant.
Coding change: c.3997C>G on transcript NM_032590.5 (MANE Select); coding-DNA position 3997, C replaced by G.
Protein change: p.Gln1333Glu; replaces glutamine 1333 with glutamic acid.
Molecular consequence: missense variant. On other transcripts: intron variant (5).
Genome position (GRCh38, 1-based): chr12:121,430,302, G>C on the plus strand (C>G on the coding strand, the complement: KDM2B is on the minus strand). VCF-style: chr12-121430302-G-C. GRCh37 (hg19) VCF-style: chr12-121868105-G-C.
Other names: c.4093C>G, p.Gln1365Glu (NM_001439014.1); c.4075C>G, p.Gln1359Glu (NM_001439016.1); c.3997C>G, p.Gln1333Glu (NM_001439017.1); c.3982C>G, p.Gln1328Glu (NM_001439020.1); c.3964C>G, p.Gln1322Glu (NM_001439021.1); c.3934C>G, p.Gln1312Glu (NM_001439022.1); c.3904C>G, p.Gln1302Glu (NM_001439025.1); c.3886C>G, p.Gln1296Glu (NM_001439028.1); and 7 more; short protein forms Q1274E, Q1296E, Q1302E, Q1312E, Q1322E, Q1328E, Q1333E, Q1359E.
Identifiers: ClinVar variation 4086339 (VCV004086339.1).